The following is an entry in ClinVar:

ClinVar aggregate classification (germline): Uncertain significance. Review status: criteria provided, multiple submitters, no conflicts (2 of 4 stars). 2 submissions from 2 submitters: Uncertain significance (2). Last evaluated 2024-12-13.

Conditions:
Inborn genetic diseases. Identifiers: MedGen C0950123, MeSH D030342.

gnomAD v4.1: 24 of 1,612,754 alleles (0.0015%); highest among the groups gnomAD compares: Middle Eastern, 0.016%; no homozygotes.

Submissions (2):

Labcorp Genetics (formerly Invitae), Labcorp
Classification: Uncertain significance. Last evaluated: 2024-12-13. Review status: criteria provided, single submitter. Criteria: Invitae Variant Classification Sherloc (09022015). Collection method: clinical testing. Allele origin: germline.
Comment: This sequence change replaces histidine, which is basic and polar, with aspartic acid, which is acidic and polar, at codon 1756 of the LAMA5 protein (p.His1756Asp). This variant is present in population databases (rs747782147, gnomAD 0.003%). This variant has not been reported in the literature in individuals affected with LAMA5-related conditions. An algorithm developed to predict the effect of missense changes on protein structure and function outputs the following: PolyPhen-2: "Benign". The aspartic acid amino acid residue is found in multiple mammalian species, which suggests that this missense change does not adversely affect protein function. In summary, the available evidence is currently insufficient to determine the role of this variant in disease. Therefore, it has been classified as a Variant of Uncertain Significance.

Ambry Genetics
Classification: Uncertain significance for Inborn genetic diseases. Last evaluated: 2024-06-04. Review status: criteria provided, single submitter. Criteria: Ambry Variant Classification Scheme 2023. Collection method: clinical testing. Allele origin: germline.

NM_005560.6(LAMA5):c.5266C>G (p.His1756Asp)

Gene: LAMA5 (laminin subunit alpha 5; minus strand). Cytogenetic location: 20q13.33.
Variant type: single nucleotide variant.
Coding change: c.5266C>G on transcript NM_005560.6 (MANE Select); coding-DNA position 5266, C replaced by G.
Protein change: p.His1756Asp; replaces histidine 1756 with aspartic acid.
Molecular consequence: missense variant.
Genome position (GRCh38, 1-based): chr20:62,326,709, G>C on the plus strand (C>G on the coding strand, the complement: LAMA5 is on the minus strand). VCF-style: chr20-62326709-G-C. GRCh37 (hg19) VCF-style: chr20-60901765-G-C.
Other names: short protein forms H1756D.
Identifiers: ClinVar variation 3289991 (VCV003289991.2).
Genomic context (GRCh38, chr20:62,326,709, plus strand): 5'-CCTGGGTGCCCAAGCCAGCTCCCCTCACCTCCACCAGCTGCAGCTGCCCACGGTGAACGT[G>C]GCCAGGCGTGGGGTATGCCGGCTCCAGGAATGTGATGCTCATCTGGTTGCCCTGGGAAGG-3'
Protein context (NP_005551.3, residues 1746-1766): FLEPAYPTPG[His1756Asp]VHRGQLQLVE